The following is an entry in ClinVar:

ClinVar aggregate classification (germline): Uncertain significance. Review status: criteria provided, multiple submitters, no conflicts (2 of 4 stars). 2 submissions from 2 submitters: Uncertain significance (2). Last evaluated 2024-11-20.

Conditions:
Epidermolysis bullosa simplex 5C, with pyloric atresia (EBS5C). Also called: Epidermolysis bullosa simplex with pyloric atresia; PLEC-Related Epidermolysis Bullosa with Pyloric Atresia; PLEC1-Related Epidermolysis Bullosa with Pyloric Atresia. Identifiers: Orphanet 158684, MedGen C2677349, MONDO:0012807, OMIM 612138.
Epidermolysis bullosa simplex with nail dystrophy (EBS5D). Identifiers: MedGen C4225309, MONDO:0014661, OMIM 616487.
Epidermolysis bullosa simplex 5B, with muscular dystrophy (EBS5B). Also called: Epidermolysis bullosa simplex with muscular dystrophy; EPIDERMOLYSIS BULLOSA SIMPLEX AND LIMB-GIRDLE MUSCULAR DYSTROPHY. Identifiers: Orphanet 257, MedGen C2931072, MONDO:0009181, OMIM 226670.
Autosomal recessive limb-girdle muscular dystrophy type 2Q (LGMDR17). Also called: MUSCULAR DYSTROPHY, LIMB-GIRDLE, AUTOSOMAL RECESSIVE 17. Identifiers: Orphanet 254361, MedGen C3150989, MONDO:0013390, OMIM 613723.
Epidermolysis bullosa simplex, Ogna type (EBS5A). Also called: Pidermolysis bullosa simplex 5A, Ogna type; EPIDERMOLYSIS BULLOSA SIMPLEX 5A, OGNA TYPE. Identifiers: Orphanet 79401, MedGen C0432317, MONDO:0007555, OMIM 131950.
Inborn genetic diseases. Identifiers: MedGen C0950123, MeSH D030342.

Allele frequency attached by ClinVar (database versions not stated): gnomAD exomes 0.00001; gnomAD 0.00002; TOPMed 0.00002; ExAC 0.00006.
gnomAD v4.1: 21 of 1,546,952 alleles (0.0014%); highest among the groups gnomAD compares: Non-Finnish European, 0.0017%; no homozygotes.

Submissions (2):

Labcorp Genetics (formerly Invitae), Labcorp
Classification: Uncertain significance for Autosomal recessive limb-girdle muscular dystrophy type 2Q; Epidermolysis bullosa simplex, Ogna type; Epidermolysis bullosa simplex with nail dystrophy; Epidermolysis bullosa simplex 5C, with pyloric atresia; Epidermolysis bullosa simplex 5B, with muscular dystrophy. Last evaluated: 2024-11-20. Review status: criteria provided, single submitter. Criteria: Invitae Variant Classification Sherloc (09022015). Collection method: clinical testing. Allele origin: germline.
Comment: This sequence change replaces arginine, which is basic and polar, with tryptophan, which is neutral and slightly polar, at codon 1640 of the PLEC protein (p.Arg1640Trp). The frequency data for this variant in the population databases is considered unreliable, as metrics indicate poor data quality at this position in the gnomAD database. This variant has not been reported in the literature in individuals affected with PLEC-related conditions. ClinVar contains an entry for this variant (Variation ID: 1408174). Invitae Evidence Modeling of protein sequence and biophysical properties (such as structural, functional, and spatial information, amino acid conservation, physicochemical variation, residue mobility, and thermodynamic stability) indicates that this missense variant is not expected to disrupt PLEC protein function with a negative predictive value of 80%. In summary, the available evidence is currently insufficient to determine the role of this variant in disease. Therefore, it has been classified as a Variant of Uncertain Significance.

Ambry Genetics
Classification: Uncertain significance for Inborn genetic diseases. Last evaluated: 2024-09-30. Review status: criteria provided, single submitter. Criteria: Ambry Variant Classification Scheme 2023. Collection method: clinical testing. Allele origin: germline.

NM_201384.3(PLEC):c.4837C>T (p.Arg1613Trp)

Gene: PLEC (plectin; minus strand). Cytogenetic location: 8q24.3.
Variant type: single nucleotide variant.
Coding change: c.4837C>T on transcript NM_201384.3 (MANE Select); coding-DNA position 4837, C replaced by T.
Protein change: p.Arg1613Trp; replaces arginine 1613 with tryptophan.
Molecular consequence: missense variant.
Genome position (GRCh38, 1-based): chr8:143,925,092, G>A on the plus strand (C>T on the coding strand, the complement: PLEC is on the minus strand). VCF-style: chr8-143925092-G-A. GRCh37 (hg19) VCF-style: chr8-144999260-G-A.
Other names: c.4918C>T (NM_000445.3); c.4918C>T, p.Arg1640Trp (NM_000445.5); c.4795C>T, p.Arg1599Trp (NM_201378.4); c.4771C>T, p.Arg1591Trp (NM_201379.3); c.5248C>T, p.Arg1750Trp (NM_201380.4); c.4741C>T, p.Arg1581Trp (NM_201381.3); c.4837C>T, p.Arg1613Trp (NM_201382.4); c.4849C>T, p.Arg1617Trp (NM_201383.3); short protein forms R1581W, R1599W, R1613W, R1640W, R1617W, R1591W, R1750W.
Identifiers: ClinVar variation 1408174 (VCV001408174.6), dbSNP rs782731049, ClinGen allele CA4926525.
Genomic context (GRCh38, chr8:143,925,092, plus strand): 5'-GCTCCAGCTCCCGCTCTGCCTCCTCGCGCGCCCGCTCGGCCTCGGCCTGCTGCTGTGCCC[G>A]CCGCTCAGCCTCCTCCCGCAGCTGTGCCACAGCCACGTGTTCCTCCTGCAGGGAGCGCTC-3'
Protein context (NP_958786.1, residues 1603-1623): VAQLREEAER[Arg1613Trp]AQQQAEAERA